The following is an entry in ClinVar:

ClinVar aggregate classification (germline): Benign. Review status: criteria provided, multiple submitters, no conflicts (2 of 4 stars). 4 submissions from 4 submitters: Benign (3). 1 of the submissions does not count toward it. Last evaluated 2019-05-28.

Conditions:
Tyrosinemia type I (TYRSN1). Also called: Tyrosinemia type 1; Fumarylacetoacetase deficiency; HEPATORENAL TYROSINEMIA; Deficiency of fumarylacetoacetase; FAH DEFICIENCY. Identifiers: Orphanet 882, MedGen C0268490, MONDO:0010161, OMIM 276700. Disease mechanism: loss of function.

Allele frequency attached by ClinVar (database versions not stated): 1000 Genomes Project 0.05112; TOPMed 0.06386; gnomAD 0.06830 and 0.06789; 1000 Genomes Project 30x 0.05044; gnomAD exomes 0.08715.
gnomAD v4.1: 40,254 of 495,184 alleles (8.1%); highest among the groups gnomAD compares: South Asian, 9.5%; 1,833 homozygotes.

Submissions (4):

GeneDx
Classification: Benign. Last evaluated: 2019-05-28. Review status: criteria provided, single submitter. Criteria: GeneDx Variant Classification Process June 2021. Collection method: clinical testing. Allele origin: germline. Affected: yes.

Illumina Laboratory Services, Illumina
Classification: Benign for Tyrosinemia type I. Last evaluated: 2018-01-13. Review status: criteria provided, single submitter. Criteria: ICSL Variant Classification Criteria 13 December 2019. Collection method: clinical testing. Allele origin: germline.
Comment: This variant was observed in the ICSL laboratory as part of a predisposition screen in an ostensibly healthy population. It had not been previously curated by ICSL or reported in the Human Gene Mutation Database (HGMD: prior to June 1st, 2018), and was therefore a candidate for classification through an automated scoring system. Utilizing variant allele frequency, disease prevalence and penetrance estimates, and inheritance mode, an automated score was calculated to assess if this variant is too frequent to cause the disease. Based on the score and internal cut-off values, a variant classified as benign is not then subjected to further curation. The score for this variant resulted in a classification of benign for this disease.

Breakthrough Genomics
Classification: Benign. Review status: criteria provided, single submitter. Criteria: ACMG Guidelines, 2015. Collection method: not provided. Allele origin: germline. Inheritance: Autosomal recessive inheritance. Affected: yes.

Natera, Inc.
Classification: Benign for Tyrosinemia type I. Last evaluated: 2019-07-26. Review status: no assertion criteria provided. Collection method: clinical testing. Allele origin: germline. Not counted in ClinVar's aggregate classification.

NM_001374380.1(FAH):c.*284C>G

Gene: FAH (fumarylacetoacetate hydrolase; plus strand). Cytogenetic location: 15q25.1.
Variant type: single nucleotide variant.
Coding change: c.*284C>G on transcript NM_001374380.1; 284 bases downstream of the stop codon, C replaced by G.
Molecular consequence: 3 prime UTR variant.
Genome position (GRCh38, 1-based): chr15:80,186,493, C>G. VCF-style: chr15-80186493-C-G. GRCh37 (hg19) VCF-style: chr15-80478835-C-G.
Other names: c.*284C>G (NM_001374377.1).
Identifiers: ClinVar variation 317221 (VCV000317221.21), dbSNP rs79203348, ClinGen allele CA10647440.
Genomic context (GRCh38, chr15:80,186,493, plus strand): 5'-TGTTTTCTCACTCTTATTAGTGAGGTCAGGGGTCTTTGTGGGATTTTCTTATTAGACATC[C>G]CAGGCCTCCTGGTATTCCATGGAATTTGAAAAGAGACTGGCACCTGTAGTAGTCAGGGCT-3'